The following is an entry in ClinVar:

ClinVar aggregate classification (germline): Likely pathogenic (1 of 4 stars; one submission).

Conditions:
Hereditary breast ovarian cancer syndrome. Also called: BRCA1- and BRCA2-Associated Hereditary Breast and Ovarian Cancer; Hereditary breast and ovarian cancer; Hereditary breast and ovarian cancer syndrome (HBOC); Hereditary breast and/or ovarian cancer syndrome; Hereditary breast and ovarian cancer syndrome; Breast and ovarian cancer. Identifiers: Orphanet 145, MedGen C0677776, MeSH D061325, MONDO:0003582. Disease mechanism: loss of function.

Submission:

Genetics and Personalized Medicine Clinic, Tartu University Hospital
Classification: Likely pathogenic for Hereditary breast ovarian cancer syndrome. Last evaluated: 2021-01-01. Review status: criteria provided, single submitter. Criteria: ACMG Guidelines, 2015. Collection method: clinical testing. Allele origin: germline. Affected: yes. Observed: 4 variant alleles.
Comment: This deletion causes a frameshift p.Ser228Argfs*13, predicted to result in premature truncation and nonsense-mediated decay. CHEK2 loss-of-function is a known mechanism contributing to hereditary breast cancer susceptibility (PVS1). The variant is absent from population databases (PM2_Supporting) and is consistent with CHEK2-associated cancer risk. This variant has been reported in one individual with ovarian cancer and three individuals with breast cancer.

NM_007194.4(CHEK2):c.684_694del

Gene: CHEK2 (checkpoint kinase 2; minus strand). Cytogenetic location: 22q12.1.
Variant type: Deletion.
Coding change: c.684_694del on transcript NM_007194.4 (MANE Select); coding-DNA positions 684 to 694, 11 bases deleted (TGGTGCCTGTG).
Molecular consequence: splice acceptor variant.
Genome position (GRCh38, 1-based): chr22:28,712,007-28,712,017, CACAGGCACCA deleted on the plus strand (TGGTGCCTGTG on the coding strand, the reverse complement: CHEK2 is on the minus strand); deleting any 11 consecutive bases within chr22:28,712,007-28,712,018 gives the same sequence; the c. name uses the placement nearest the transcript's 3' end. VCF-style (leftmost placement, unchanged base first): chr22-28712006-CCACAGGCACCA-C. GRCh37 (hg19) VCF-style: chr22-29107994-CCACAGGCACCA-C.
Identifiers: ClinVar variation 4082386 (VCV004082386.1).